The following is an entry in ClinVar:

NM_016333.4(SRRM2):c.7932GTC[1] (p.Ser2648del)

Gene: SRRM2 (serine/arginine repetitive matrix 2; plus strand). Cytogenetic location: 16p13.3.
Variant type: Microsatellite.
Coding change: c.7932GTC[1] on transcript NM_016333.4 (MANE Select); one copy of the 3-base unit GTC starting at c.7932; the reference has two copies in a row; one copy, 3 bases deleted.
Protein change: p.Ser2648del; deletes serine 2648.
Genome position (GRCh38, 1-based): chr16:2,769,198-2,769,200, GTC deleted; deleting any 3 consecutive bases within chr16:2,769,193-2,769,200 gives the same sequence; the position shown is the placement nearest the transcript's 3' end. VCF-style (leftmost placement, unchanged base first): chr16-2769192-CTCG-C. GRCh37 (hg19) VCF-style: chr16-2819193-CTCG-C.
Other names: short protein forms S2648del.
Identifiers: ClinVar variation 4681264 (VCV004681264.5).

ClinVar aggregate classification (germline): Likely benign (1 of 4 stars; one submission).

Submission:

CeGaT Center for Human Genetics Tuebingen
Classification: Likely benign. Last evaluated: 2025-12-01. Review status: criteria provided, single submitter. Criteria: CeGaT Center For Human Genetics Tuebingen Variant Classification Criteria Version 2. Collection method: clinical testing. Allele origin: germline. Affected: yes. Observed: 1 variant allele.
Comment: SRRM2: BS1